The following is an entry in ClinVar:

NM_182919.4(TICAM1):c.1078CCT[10] (p.Pro366_Pro367dup)

Gene: TICAM1 (TIR domain containing adaptor molecule 1; minus strand). Cytogenetic location: 19p13.3.
Variant type: Microsatellite.
Coding change: c.1078CCT[10] on transcript NM_182919.4 (MANE Select); ten copies in a row of the 3-base unit CCT starting at c.1078; the reference has eight copies in a row; two copies, 6 bases duplicated; also written c.1096_1101dup.
Protein change: p.Pro366_Pro367dup.
Molecular consequence: inframe insertion.
Genome position (GRCh38, 1-based): chr19:4,817,277-4,817,282, AGGAGG duplicated on the plus strand (CCTCCT on the coding strand, the reverse complement: TICAM1 is on the minus strand); duplicating any 6 consecutive bases within chr19:4,817,277-4,817,300 gives the same sequence; the position shown is the placement nearest the transcript's 3' end. VCF-style (leftmost placement, unchanged base first): chr19-4817276-A-AAGGAGG. GRCh37 (hg19) VCF-style: chr19-4817288-A-AAGGAGG.
Other names: c.1096_1101dup (NM_182919.3); c.1036CCT[10], p.Pro352_Pro353dup (NM_001385678.1); c.943CCT[10], p.Pro321_Pro322dup (NM_001385679.1); c.436CCT[10], p.Pro152_Pro153dup (NM_001385680.1).
Identifiers: ClinVar variation 566492 (VCV000566492.7), dbSNP rs11466722, ClinGen allele CA9105203.

ClinVar aggregate classification (germline): Uncertain significance (1 of 4 stars; one submission).

Conditions:
Encephalopathy, acute, infection-induced (herpes-specific), susceptibility to, 6. Also called: Herpes simplex encephalitis, susceptibility to, 4. Identifiers: Orphanet 1930, MedGen C3553869, MONDO:0013921, OMIM 614850.

Submission:

Labcorp Genetics (formerly Invitae), Labcorp
Classification: Uncertain significance for Encephalopathy, acute, infection-induced (herpes-specific), susceptibility to, 6. Last evaluated: 2022-08-16. Review status: criteria provided, single submitter. Criteria: Invitae Variant Classification Sherloc (09022015). Collection method: clinical testing. Allele origin: germline.
Comment: This variant, c.1096_1101dup, results in the insertion of 2 amino acid(s) of the TICAM1 protein (p.Pro366_Pro367dup), but otherwise preserves the integrity of the reading frame. This variant is present in population databases (rs144100421, gnomAD 0.09%). This variant has not been reported in the literature in individuals affected with TICAM1-related conditions. ClinVar contains an entry for this variant (Variation ID: 566492). Experimental studies and prediction algorithms are not available or were not evaluated, and the functional significance of this variant is currently unknown. In summary, the available evidence is currently insufficient to determine the role of this variant in disease. Therefore, it has been classified as a Variant of Uncertain Significance.